The following is an entry in ClinVar:

NM_001776.6(ENTPD1):c.325A>C (p.Met109Leu)

Genes: ENTPD1 (ectonucleoside triphosphate diphosphohydrolase 1; plus strand), ENTPD1-AS1 (ENTPD1 antisense RNA 1; minus strand). Cytogenetic location: 10q24.1.
Variant type: single nucleotide variant.
Coding change: c.325A>C on transcript NM_001776.6 (MANE Select); coding-DNA position 325, A replaced by C.
Protein change: p.Met109Leu; replaces methionine 109 with leucine.
Molecular consequence: missense variant. On other transcripts: initiator codon variant (2), intron variant (2).
Genome position (GRCh38, 1-based): chr10:95,842,406, A>C. VCF-style: chr10-95842406-A-C. GRCh37 (hg19) VCF-style: chr10-97602163-A-C.
Other names: c.346A>C, p.Met116Leu (NM_001098175.2); c.361A>C, p.Met121Leu (NM_001164178.1, NM_001320916.1); c.325A>C, p.Met109Leu (NM_001164179.2); c.1A>C, p.Met1Leu (NM_001164181.1, NM_001312654.1); c.-1-2070A>C (NM_001164182.2, NM_001164183.2); short protein forms M1L, M109L, M116L, M121L.
Identifiers: ClinVar variation 859183 (VCV000859183.11), dbSNP rs139597339, ClinGen allele CA5621383.

ClinVar aggregate classification (germline): Uncertain significance. Review status: criteria provided, multiple submitters, no conflicts (2 of 4 stars). 2 submissions from 2 submitters: Uncertain significance (2). Last evaluated 2024-07-30.

Conditions:
Inborn genetic diseases. Identifiers: MedGen C0950123, MeSH D030342.
Hereditary spastic paraplegia 64. Also called: Spastic paraplegia 64, autosomal recessive; ENTPD1-Related Neurodevelopmental Disorder. Identifiers: Orphanet 401810, MedGen C3810289, MONDO:0014303, OMIM 615683.

Allele frequency attached by ClinVar (database versions not stated): ExAC 0.00002; gnomAD 0.00004; gnomAD exomes 0.00004 and 0.00013; TOPMed 0.00007; ESP Exome Variant Server 0.00008.

Submissions (2):

Ambry Genetics
Classification: Uncertain significance for Inborn genetic diseases. Last evaluated: 2024-07-30. Review status: criteria provided, single submitter. Criteria: Ambry Variant Classification Scheme 2023. Collection method: clinical testing. Allele origin: germline.

Labcorp Genetics (formerly Invitae), Labcorp
Classification: Uncertain significance for Hereditary spastic paraplegia 64. Last evaluated: 2021-08-31. Review status: criteria provided, single submitter. Criteria: Invitae Variant Classification Sherloc (09022015). Collection method: clinical testing. Allele origin: germline.
Comment: This sequence change replaces methionine with leucine at codon 109 of the ENTPD1 protein (p.Met109Leu). The methionine residue is highly conserved and there is a small physicochemical difference between methionine and leucine. This variant is present in population databases (rs139597339, ExAC 0.003%). This variant has not been reported in the literature in individuals affected with ENTPD1-related conditions. Algorithms developed to predict the effect of missense changes on protein structure and function (SIFT, PolyPhen-2, Align-GVGD) all suggest that this variant is likely to be tolerated. In summary, the available evidence is currently insufficient to determine the role of this variant in disease. Therefore, it has been classified as a Variant of Uncertain Significance.